The following is an entry in ClinVar:

ClinVar aggregate classification (germline): Conflicting classifications of pathogenicity. Review status: criteria provided, conflicting classifications (1 of 4 stars). 8 submissions from 7 submitters: Uncertain significance (6); Likely benign (1). 1 of the submissions does not count toward it. Last evaluated 2025-01-24.

Conditions:
PHGDH-related disorder. Also called: PHGDH-related condition.
Inborn genetic diseases. Identifiers: MedGen C0950123, MeSH D030342.
Neu-Laxova syndrome 1 (NLS1). Identifiers: Orphanet 2671, Orphanet 583607, MedGen C4551478, MONDO:0009736, OMIM 256520. Disease mechanism: loss of function.
PHGDH deficiency. Identifiers: Orphanet 79351, MedGen C1866174, MONDO:0011152, OMIM 601815.

Allele frequency attached by ClinVar (database versions not stated): gnomAD 0.00008 and 0.00006; TOPMed 0.00009; gnomAD exomes 0.00013; 1000 Genomes Project 30x 0.00016; ExAC 0.00017; 1000 Genomes Project 0.00020; ESP Exome Variant Server 0.00008.
gnomAD v4.1: 121 of 1,613,776 alleles (0.0075%); highest among the groups gnomAD compares: South Asian, 0.09%; no homozygotes.

Submissions (8):

PreventionGenetics, part of Exact Sciences
Classification: Likely benign for PHGDH-related condition. Last evaluated: 2025-01-24. Review status: criteria provided, single submitter. Criteria: ACMG Guidelines, 2015. Collection method: clinical testing. Allele origin: germline.
Comment: This variant is classified as likely benign based on ACMG/AMP sequence variant interpretation guidelines (Richards et al. 2015 PMID: 25741868, with internal and published modifications).

Blueprint Genetics
Classification: Uncertain significance. Last evaluated: 2024-11-21. Review status: criteria provided, single submitter. Criteria: ACMG Guidelines, 2015. Collection method: clinical testing. Allele origin: germline.

Ambry Genetics
Classification: Uncertain significance for Inborn genetic diseases. Last evaluated: 2024-07-10. Review status: criteria provided, single submitter. Criteria: Ambry Variant Classification Scheme 2023. Collection method: clinical testing. Allele origin: germline.

GeneDx
Classification: Uncertain significance. Last evaluated: 2023-09-28. Review status: criteria provided, single submitter. Criteria: GeneDx Variant Classification Process June 2021. Collection method: clinical testing. Allele origin: germline. Affected: yes.
Comment: In silico analysis supports that this missense variant does not alter protein structure/function; Has not been previously published as pathogenic or benign to our knowledge

Genome-Nilou Lab
Classification: Uncertain significance for Neu-Laxova syndrome 1. Last evaluated: 2023-04-11. Review status: criteria provided, single submitter. Criteria: ACMG Guidelines, 2015. Collection method: clinical testing. Allele origin: germline. Affected: no.

Genome-Nilou Lab
Classification: Uncertain significance for PHGDH deficiency. Last evaluated: 2023-04-11. Review status: criteria provided, single submitter. Criteria: ACMG Guidelines, 2015. Collection method: clinical testing. Allele origin: germline. Affected: no.

Labcorp Genetics (formerly Invitae), Labcorp
Classification: Uncertain significance for PHGDH deficiency. Last evaluated: 2022-11-01. Review status: criteria provided, single submitter. Criteria: Invitae Variant Classification Sherloc (09022015). Collection method: clinical testing. Allele origin: germline.
Comment: This sequence change replaces glycine, which is neutral and non-polar, with arginine, which is basic and polar, at codon 419 of the PHGDH protein (p.Gly419Arg). This variant is present in population databases (rs145344767, gnomAD 0.08%). This variant has not been reported in the literature in individuals affected with PHGDH-related conditions. ClinVar contains an entry for this variant (Variation ID: 452434). Advanced modeling of protein sequence and biophysical properties (such as structural, functional, and spatial information, amino acid conservation, physicochemical variation, residue mobility, and thermodynamic stability) has been performed at Invitae for this missense variant, however the output from this modeling did not meet the statistical confidence thresholds required to predict the impact of this variant on PHGDH protein function. In summary, the available evidence is currently insufficient to determine the role of this variant in disease. Therefore, it has been classified as a Variant of Uncertain Significance.

Natera, Inc.
Classification: Likely benign for Phosphoglycerate dehydrogenase deficiency. Last evaluated: 2019-11-22. Review status: no assertion criteria provided. Collection method: clinical testing. Allele origin: germline. Not counted in ClinVar's aggregate classification.

NM_006623.4(PHGDH):c.1255G>A (p.Gly419Arg)

Gene: PHGDH (phosphoglycerate dehydrogenase; plus strand). Cytogenetic location: 1p12.
Variant type: single nucleotide variant.
Coding change: c.1255G>A on transcript NM_006623.4 (MANE Select); coding-DNA position 1255, G replaced by A.
Protein change: p.Gly419Arg; replaces glycine 419 with arginine.
Molecular consequence: missense variant.
Genome position (GRCh38, 1-based): chr1:119,742,852, G>A. VCF-style: chr1-119742852-G-A. GRCh37 (hg19) VCF-style: chr1-120285475-G-A.
Other names: short protein forms G419R.
Identifiers: ClinVar variation 452434 (VCV000452434.12), dbSNP rs145344767, ClinGen allele CA1037425.
Genomic context (GRCh38, chr1:119,742,852, plus strand): 5'-GCCTTCTCCACACAGGTCACCACCTCCCACAGCCCTGCTGCACCAGGGGAGCAAGGCTTC[G>A]GGGAATGCCTCCTGGCCGTGGCCCTGGCAGGCGCCCCTTACCAGGCTGTGGGCTTGGTCC-3'
Protein context (NP_006614.2, residues 409-429): SPAAPGEQGF[Gly419Arg]ECLLAVALAG